The following is an entry in ClinVar:

NM_001042492.3(NF1):c.2435T>G (p.Ile812Ser)

Gene: NF1 (neurofibromin 1; plus strand). Cytogenetic location: 17q11.2.
Variant type: single nucleotide variant.
Coding change: c.2435T>G on transcript NM_001042492.3 (MANE Select); coding-DNA position 2435, T replaced by G.
Protein change: p.Ile812Ser; replaces isoleucine 812 with serine.
Molecular consequence: missense variant.
Genome position (GRCh38, 1-based): chr17:31,229,050, T>G. VCF-style: chr17-31229050-T-G. GRCh37 (hg19) VCF-style: chr17-29556068-T-G.
Other names: c.2435T>G, p.Ile812Ser (NM_000267.4); short protein forms I812S.
Identifiers: ClinVar variation 4800736 (VCV004800736.1).

ClinVar aggregate classification (germline): Uncertain significance (1 of 4 stars; one submission).

Conditions:
Neurofibromatosis, type 1 (NF1). Also called: VON RECKLINGHAUSEN DISEASE; Neurofibromatosis, type I; NEUROFIBROMATOSIS, TYPE I, SOMATIC; Peripheral type neurofibromatosis. Identifiers: Orphanet 636, MedGen C0027831, MONDO:0018975, OMIM 162200. Disease mechanism: loss of function.

Submission:

Labcorp Genetics (formerly Invitae), Labcorp
Classification: Uncertain significance for Neurofibromatosis, type 1. Last evaluated: 2025-11-22. Review status: criteria provided, single submitter. Criteria: Invitae Variant Classification Sherloc (09022015). Collection method: clinical testing. Allele origin: germline.
Comment: This sequence change replaces isoleucine, which is neutral and non-polar, with serine, which is neutral and polar, at codon 812 of the NF1 protein (p.Ile812Ser). This variant is not present in population databases (gnomAD no frequency). This variant has not been reported in the literature in individuals affected with NF1-related conditions. Invitae Evidence Modeling of protein sequence and biophysical properties (such as structural, functional, and spatial information, amino acid conservation, physicochemical variation, residue mobility, and thermodynamic stability) indicates that this missense variant is not expected to disrupt NF1 protein function with a negative predictive value of 95%. In summary, the available evidence is currently insufficient to determine the role of this variant in disease. Therefore, it has been classified as a Variant of Uncertain Significance.